The following is an entry in ClinVar:

ClinVar aggregate classification (germline): Uncertain significance. Review status: criteria provided, multiple submitters, no conflicts (2 of 4 stars). 2 submissions from 2 submitters: Uncertain significance (2). Last evaluated 2025-04-20.

Conditions:
Inborn genetic diseases. Identifiers: MedGen C0950123, MeSH D030342.

Allele frequency attached by ClinVar (database versions not stated): TOPMed 0.00003; gnomAD 0.00001; ESP Exome Variant Server 0.00008; gnomAD exomes below 0.00001.
gnomAD v4.1: 5 of 1,613,066 alleles (0.00031%); highest among the groups gnomAD compares: Non-Finnish European, 0.00042%; no homozygotes.

Submissions (2):

Ambry Genetics
Classification: Uncertain significance for Inborn genetic diseases. Last evaluated: 2025-04-20. Review status: criteria provided, single submitter. Criteria: Ambry Variant Classification Scheme 2023. Collection method: clinical testing. Allele origin: germline.

Labcorp Genetics (formerly Invitae), Labcorp
Classification: Uncertain significance. Last evaluated: 2022-02-10. Review status: criteria provided, single submitter. Criteria: Invitae Variant Classification Sherloc (09022015). Collection method: clinical testing. Allele origin: germline.
Comment: This sequence change replaces cysteine, which is neutral and slightly polar, with tyrosine, which is neutral and polar, at codon 1299 of the FAT4 protein (p.Cys1299Tyr). This variant is present in population databases (rs374884564, gnomAD 0.01%). This variant has not been reported in the literature in individuals affected with FAT4-related conditions. Advanced modeling of protein sequence and biophysical properties (such as structural, functional, and spatial information, amino acid conservation, physicochemical variation, residue mobility, and thermodynamic stability) performed at Invitae indicates that this missense variant is not expected to disrupt FAT4 protein function. In summary, the available evidence is currently insufficient to determine the role of this variant in disease. Therefore, it has been classified as a Variant of Uncertain Significance.

NM_001291303.3(FAT4):c.3896G>A (p.Cys1299Tyr)

Gene: FAT4 (FAT atypical cadherin 4; plus strand). Cytogenetic location: 4q28.1.
Variant type: single nucleotide variant.
Coding change: c.3896G>A on transcript NM_001291303.3 (MANE Select); coding-DNA position 3896, G replaced by A.
Protein change: p.Cys1299Tyr; replaces cysteine 1299 with tyrosine.
Molecular consequence: missense variant.
Genome position (GRCh38, 1-based): chr4:125,320,307, G>A. VCF-style: chr4-125320307-G-A. GRCh37 (hg19) VCF-style: chr4-126241462-G-A.
Other names: c.3896G>A, p.Cys1299Tyr (NM_001291285.3, NM_024582.6); c.3896G>A (NM_024582.4); short protein forms C1299Y.
Identifiers: ClinVar variation 1519974 (VCV001519974.6), dbSNP rs374884564, ClinGen allele CA104866637.
Genomic context (GRCh38, chr4:125,320,307, plus strand): 5'-CTGCCTATTCCCTTGTAATTCAAGCAGTGGATTCAGGGACAATCCCCCTCAATTCAACGT[G>A]TACTTTAAATATTGATATTTTAGATGAAAATGACAATACCCCTTCTTTCCCTAAATCAAC-3'
Protein context (NP_001278232.1, residues 1289-1309): DSGTIPLNST[Cys1299Tyr]TLNIDILDEN